The following is an entry in ClinVar:

ClinVar aggregate classification (germline): Uncertain significance (1 of 4 stars; one submission).

Allele frequency attached by ClinVar (database versions not stated): TOPMed below 0.00001.
gnomAD v4.1: 9 of 1,613,390 alleles (0.00056%); highest among the groups gnomAD compares: African/African-American, 0.0053%; no homozygotes.

Submission:

Labcorp Genetics (formerly Invitae), Labcorp
Classification: Uncertain significance. Last evaluated: 2024-08-29. Review status: criteria provided, single submitter. Criteria: Invitae Variant Classification Sherloc (09022015). Collection method: clinical testing. Allele origin: germline.
Comment: This sequence change replaces arginine, which is basic and polar, with leucine, which is neutral and non-polar, at codon 1689 of the HMCN1 protein (p.Arg1689Leu). This variant is not present in population databases (gnomAD no frequency). This variant has not been reported in the literature in individuals affected with HMCN1-related conditions. ClinVar contains an entry for this variant (Variation ID: 2148346). An algorithm developed to predict the effect of missense changes on protein structure and function (PolyPhen-2) suggests that this variant is likely to be tolerated. In summary, the available evidence is currently insufficient to determine the role of this variant in disease. Therefore, it has been classified as a Variant of Uncertain Significance.

NM_031935.3(HMCN1):c.5066G>T (p.Arg1689Leu)

Gene: HMCN1 (hemicentin 1; plus strand). Cytogenetic location: 1q31.1.
Variant type: single nucleotide variant.
Coding change: c.5066G>T on transcript NM_031935.3 (MANE Select); coding-DNA position 5066, G replaced by T.
Protein change: p.Arg1689Leu; replaces arginine 1689 with leucine.
Molecular consequence: missense variant.
Genome position (GRCh38, 1-based): chr1:186,016,114, G>T. VCF-style: chr1-186016114-G-T. GRCh37 (hg19) VCF-style: chr1-185985246-G-T.
Other names: short protein forms R1689L.
Identifiers: ClinVar variation 2148346 (VCV002148346.4), dbSNP rs761113225, ClinGen allele CA1292172.